The following is an entry in ClinVar:

NM_001849.4(COL6A2):c.2129C>A (p.Ala710Asp)

Gene: COL6A2 (collagen type VI alpha 2 chain; plus strand). Cytogenetic location: 21q22.3.
Variant type: single nucleotide variant.
Coding change: c.2129C>A on transcript NM_001849.4 (MANE Select); coding-DNA position 2129, C replaced by A.
Protein change: p.Ala710Asp; replaces alanine 710 with aspartic acid.
Molecular consequence: missense variant.
Genome position (GRCh38, 1-based): chr21:46,125,944, C>A. VCF-style: chr21-46125944-C-A. GRCh37 (hg19) VCF-style: chr21-47545858-C-A.
Other names: c.2129C>A, p.Ala710Asp (NM_058174.3, NM_058175.3); short protein forms A710D.
Identifiers: ClinVar variation 500098 (VCV000500098.13), dbSNP rs1555875708, ClinGen allele CA410541665.

ClinVar aggregate classification (germline): Uncertain significance. Review status: criteria provided, multiple submitters, no conflicts (2 of 4 stars). 2 submissions from 2 submitters: Uncertain significance (2). Last evaluated 2018-09-26.

Conditions:
Bethlem myopathy 1A. Also called: MYOPATHY, BENIGN CONGENITAL, WITH CONTRACTURES; Bethlem myopathy 1; Bethlem Muscular Dystrophy. Identifiers: Orphanet 610, MedGen CN029274, MONDO:0024530, OMIM 158810.

Submissions (2):

Labcorp Genetics (formerly Invitae), Labcorp
Classification: Uncertain significance for Bethlem myopathy 1A. Last evaluated: 2018-09-26. Review status: criteria provided, single submitter. Criteria: Invitae Variant Classification Sherloc (09022015). Collection method: clinical testing. Allele origin: germline.
Comment: This sequence change replaces alanine with aspartic acid at codon 710 of the COL6A2 protein (p.Ala710Asp). The alanine residue is highly conserved and there is a moderate physicochemical difference between alanine and aspartic acid. This variant is not present in population databases (ExAC no frequency). This variant has not been reported in the literature in individuals with COL6A2-related disease. ClinVar contains an entry for this variant (Variation ID: 500098). Algorithms developed to predict the effect of missense changes on protein structure and function are either unavailable or do not agree on the potential impact of this missense change (SIFT: "Deleterious"; PolyPhen-2: "Probably Damaging"; Align-GVGD: "Class C0"). In summary, the available evidence is currently insufficient to determine the role of this variant in disease. Therefore, it has been classified as a Variant of Uncertain Significance.

Eurofins Ntd Llc (ga)
Classification: Uncertain significance. Last evaluated: 2017-01-25. Review status: criteria provided, single submitter. Criteria: EGL Classification Definitions 2015. Collection method: clinical testing. Allele origin: germline. Observed: 1 variant allele, 1 heterozygote.